The following is an entry in ClinVar:

ClinVar aggregate classification (germline): Uncertain significance (1 of 4 stars; one submission).

Allele frequency attached by ClinVar (database versions not stated): gnomAD 0.00001; ExAC 0.00007.
gnomAD v4.1: 3 of 1,536,104 alleles (0.0002%); highest among the groups gnomAD compares: African/African-American, 0.0027%; no homozygotes.

Submission:

Labcorp Genetics (formerly Invitae), Labcorp
Classification: Uncertain significance. Last evaluated: 2022-03-13. Review status: criteria provided, single submitter. Criteria: Invitae Variant Classification Sherloc (09022015). Collection method: clinical testing. Allele origin: germline.
Comment: In summary, the available evidence is currently insufficient to determine the role of this variant in disease. Therefore, it has been classified as a Variant of Uncertain Significance. Algorithms developed to predict the effect of missense changes on protein structure and function are either unavailable or do not agree on the potential impact of this missense change (SIFT: "Deleterious"; PolyPhen-2: "Possibly Damaging"; Align-GVGD: "Class C15"). This variant has not been reported in the literature in individuals affected with PET100-related conditions. This variant is present in population databases (rs779243533, gnomAD 0.006%). This sequence change replaces arginine, which is basic and polar, with proline, which is neutral and non-polar, at codon 60 of the PET100 protein (p.Arg60Pro).

NM_001171155.2(PET100):c.179G>C (p.Arg60Pro)

Genes: PET100 (PET100 cytochrome c oxidase chaperone; plus strand), STXBP2 (syntaxin binding protein 2; plus strand). Cytogenetic location: 19p13.2.
Variant type: single nucleotide variant.
Coding change: c.179G>C on transcript NM_001171155.2 (MANE Select); coding-DNA position 179, G replaced by C.
Protein change: p.Arg60Pro; replaces arginine 60 with proline.
Molecular consequence: missense variant. On other transcripts: non-coding transcript variant (1).
Genome position (GRCh38, 1-based): chr19:7,631,513, G>C. VCF-style: chr19-7631513-G-C. GRCh37 (hg19) VCF-style: chr19-7696399-G-C.
Other names: short protein forms R60P.
Identifiers: ClinVar variation 2110582 (VCV002110582.4), dbSNP rs779243533, ClinGen allele CA9142871.